The following is an entry in ClinVar:

ClinVar aggregate classification (germline): Benign/Likely benign. Review status: criteria provided, multiple submitters, no conflicts (2 of 4 stars). 3 submissions from 3 submitters: Benign (1); Likely benign (2). Last evaluated 2024-07-03.

Conditions:
Hereditary cancer-predisposing syndrome. Also called: Tumor predisposition; Hereditary neoplastic syndrome; Neoplastic Syndromes, Hereditary; Hereditary Cancer Syndrome. Identifiers: Orphanet 140162, MedGen C0027672, MeSH D009386, MONDO:0015356.
Oligodontia-cancer predisposition syndrome. Also called: TOOTH AGENESIS-COLORECTAL CANCER SYNDROME. Identifiers: Orphanet 300576, MedGen C1837750, MONDO:0012075, OMIM 608615. Disease mechanism: loss of function.

gnomAD v4.1: 5 of 1,585,058 alleles (0.00032%); highest among the groups gnomAD compares: South Asian, 0.0034%; no homozygotes.

Submissions (3):

Myriad Genetics, Inc.
Classification: Benign for Oligodontia-cancer predisposition syndrome. Last evaluated: 2024-07-03. Review status: criteria provided, single submitter. Criteria: Myriad Autosomal Dominant, Autosomal Recessive and X-Linked Classification Criteria (2023). Collection method: clinical testing. Allele origin: unknown.
Comment: This variant is considered benign. This variant is a silent/synonymous amino acid change and it is not expected to impact splicing.

Ambry Genetics
Classification: Likely benign for Hereditary cancer-predisposing syndrome. Last evaluated: 2022-03-23. Review status: criteria provided, single submitter. Criteria: Ambry Variant Classification Scheme 2023. Collection method: clinical testing. Allele origin: germline.

Labcorp Genetics (formerly Invitae), Labcorp
Classification: Likely benign for Oligodontia-cancer predisposition syndrome. Last evaluated: 2021-02-20. Review status: criteria provided, single submitter. Criteria: Invitae Variant Classification Sherloc (09022015). Collection method: clinical testing. Allele origin: germline.

NM_004655.4(AXIN2):c.1401G>T (p.Pro467=)

Gene: AXIN2 (axin 2; minus strand). Cytogenetic location: 17q24.1.
Variant type: single nucleotide variant.
Coding change: c.1401G>T on transcript NM_004655.4 (MANE Select); coding-DNA position 1401, G replaced by T.
Protein change: p.Pro467=; no amino-acid change (proline 467 retained).
Molecular consequence: synonymous variant.
Genome position (GRCh38, 1-based): chr17:65,537,635, C>A on the plus strand (G>T on the coding strand, the complement: AXIN2 is on the minus strand). VCF-style: chr17-65537635-C-A. GRCh37 (hg19) VCF-style: chr17-63533753-C-A.
Other names: c.1401G>T, p.Pro467= (NM_001363813.1).
Identifiers: ClinVar variation 1617630 (VCV001617630.11), dbSNP rs771579039, ClinGen allele CA8718656.